The following is an entry in ClinVar:

NM_000545.8(HNF1A):c.1129dup (p.Leu377fs)

Gene: HNF1A (HNF1 homeobox A; plus strand). Cytogenetic location: 12q24.31.
Variant type: Duplication.
Coding change: c.1129dup on transcript NM_000545.8 (MANE Select); coding-DNA position 1129, one base duplicated (C; older notation c.1129dupC).
Protein change: p.Leu377fs; shifts the reading frame from leucine 377.
Molecular consequence: frameshift variant.
Genome position (GRCh38, 1-based): chr12:120,996,562, C duplicated; the last of 5 consecutive C bases (chr12:120,996,558-120,996,562); duplicating any one gives the same sequence. VCF-style (leftmost placement, unchanged base first): chr12-120996557-G-GC. GRCh37 (hg19) VCF-style: chr12-121434360-G-GC.
Other names: c.1129dup, p.Leu377fs (NM_001306179.2); c.1129dup, p.Leu377Profs (NM_001406915.1); short protein forms L377fs.
Identifiers: ClinVar variation 2069844 (VCV002069844.4), dbSNP rs193922576, ClinGen allele CA2580085940.

ClinVar aggregate classification (germline): Pathogenic (1 of 4 stars; one submission).

Submission:

Labcorp Genetics (formerly Invitae), Labcorp
Classification: Pathogenic. Last evaluated: 2022-01-02. Review status: criteria provided, single submitter. Criteria: Invitae Variant Classification Sherloc (09022015). Collection method: clinical testing. Allele origin: germline.
Comment: For these reasons, this variant has been classified as Pathogenic. This variant has not been reported in the literature in individuals affected with HNF1A-related conditions. This variant is not present in population databases (gnomAD no frequency). This sequence change creates a premature translational stop signal (p.Leu377Profs*42) in the HNF1A gene. It is expected to result in an absent or disrupted protein product. Loss-of-function variants in HNF1A are known to be pathogenic (PMID: 15928245, 18003757).

Literature cited by the submitters: PubMed 15928245; PubMed 18003757.